The following is an entry in ClinVar:

NM_004168.4(SDHA):c.895+4G>A

Gene: SDHA (succinate dehydrogenase complex flavoprotein subunit A; plus strand). Cytogenetic location: 5p15.33.
Variant type: single nucleotide variant.
Coding change: c.895+4G>A on transcript NM_004168.4 (MANE Select); 4 bases into the intron after coding-DNA position 895, G replaced by A.
Molecular consequence: intron variant.
Genome position (GRCh38, 1-based): chr5:231,004, G>A. VCF-style: chr5-231004-G-A. GRCh37 (hg19) VCF-style: chr5-231119-G-A.
Other names: c.895+4G>A (NM_001330758.2, NM_004168.2); c.751+4G>A (NM_001294332.2).
Identifiers: ClinVar variation 1040159 (VCV001040159.10), dbSNP rs1735364791, ClinGen allele CA1521991198.

ClinVar aggregate classification (germline): Uncertain significance. Review status: criteria provided, multiple submitters, no conflicts (2 of 4 stars). 2 submissions from 2 submitters: Uncertain significance (2). Last evaluated 2024-05-15.

Conditions:
Hereditary cancer-predisposing syndrome. Also called: Tumor predisposition; Hereditary neoplastic syndrome; Neoplastic Syndromes, Hereditary; Hereditary Cancer Syndrome. Identifiers: Orphanet 140162, MedGen C0027672, MeSH D009386, MONDO:0015356.
Mitochondrial complex II deficiency, nuclear type 1. Also called: SUCCINATE CoQ REDUCTASE DEFICIENCY. Identifiers: Orphanet 3208, MedGen C5700310, MONDO:0100294, OMIM 252011.
Pheochromocytoma/paraganglioma syndrome 5. Also called: Paragangliomas 5; SDHA-Related Hereditary Paraganglioma-Pheochromocytoma Syndrome. Identifiers: Orphanet 29072, MedGen C3279992, MONDO:0013602, OMIM 614165.

Allele frequency attached by ClinVar (database versions not stated): gnomAD exomes below 0.00001.
gnomAD v4.1: 2 of 1,613,920 alleles (0.00012%); highest among the groups gnomAD compares: Non-Finnish European, 0.00017%; no homozygotes.

Submissions (2):

Ambry Genetics
Classification: Uncertain significance for Hereditary cancer-predisposing syndrome. Last evaluated: 2024-05-15. Review status: criteria provided, single submitter. Criteria: Ambry Variant Classification Scheme 2023. Collection method: clinical testing. Allele origin: germline.
Comment: The c.895+4G>A intronic variant results from a G to A substitution 4 nucleotides after coding exon 7 in the SDHA gene. This nucleotide position is well conserved in available vertebrate species. In silico splice site analysis predicts that this alteration will not have any significant effect on splicing. Based on the available evidence, the clinical significance of this variant remains unclear.

Labcorp Genetics (formerly Invitae), Labcorp
Classification: Uncertain significance for Pheochromocytoma/paraganglioma syndrome 5; Mitochondrial complex II deficiency, nuclear type 1. Last evaluated: 2022-12-11. Review status: criteria provided, single submitter. Criteria: Invitae Variant Classification Sherloc (09022015). Collection method: clinical testing. Allele origin: germline.
Comment: ClinVar contains an entry for this variant (Variation ID: 1040159). In summary, the available evidence is currently insufficient to determine the role of this variant in disease. Therefore, it has been classified as a Variant of Uncertain Significance. Variants that disrupt the consensus splice site are a relatively common cause of aberrant splicing (PMID: 17576681, 9536098). Algorithms developed to predict the effect of sequence changes on RNA splicing suggest that this variant is not likely to affect RNA splicing. This variant has not been reported in the literature in individuals affected with SDHA-related conditions. This variant is not present in population databases (gnomAD no frequency). This sequence change falls in intron 7 of the SDHA gene. It does not directly change the encoded amino acid sequence of the SDHA protein. It affects a nucleotide within the consensus splice site.

Literature cited by the submitters: PubMed 17576681 (cited by Labcorp Genetics (formerly Invitae), Labcorp); PubMed 9536098 (cited by Labcorp Genetics (formerly Invitae), Labcorp).